The following is an entry in ClinVar:

NM_001042492.3(NF1):c.1862C>A (p.Ser621Tyr)

Gene: NF1 (neurofibromin 1; plus strand). Cytogenetic location: 17q11.2.
Variant type: single nucleotide variant.
Coding change: c.1862C>A on transcript NM_001042492.3 (MANE Select); coding-DNA position 1862, C replaced by A.
Protein change: p.Ser621Tyr; replaces serine 621 with tyrosine.
Molecular consequence: missense variant.
Genome position (GRCh38, 1-based): chr17:31,225,111, C>A. VCF-style: chr17-31225111-C-A. GRCh37 (hg19) VCF-style: chr17-29552129-C-A.
Other names: c.1862C>A, p.Ser621Tyr (NM_000267.4); short protein forms S621Y.
Identifiers: ClinVar variation 3238449 (VCV003238449.1), dbSNP rs760346063.
Genomic context (GRCh38, chr17:31,225,111, plus strand): 5'-GTTGTCAGTGCTTCAGTAAAGCTTATTTATTTATTTTTTTCTAGCAGGCAGATAGAAGTT[C>A]CTGTCACTTTCTCCTTTTTTACGGGGTAGGATGTGATATTCCTTCTAGTGGAAATACCAG-3'
Protein context (NP_001035957.1, residues 611-631): LLKNKQADRS[Ser621Tyr]CHFLLFYGVG

ClinVar aggregate classification (germline): Uncertain significance (1 of 4 stars; one submission).

Conditions:
Hereditary cancer-predisposing syndrome. Also called: Neoplastic Syndromes, Hereditary; Tumor predisposition; Hereditary neoplastic syndrome; Hereditary Cancer Syndrome. Identifiers: Orphanet 140162, MedGen C0027672, MeSH D009386, MONDO:0015356.
Cardiovascular phenotype. Identifiers: MedGen CN230736.

Submission:

Ambry Genetics
Classification: Uncertain significance for Cardiovascular phenotype; Hereditary cancer-predisposing syndrome. Last evaluated: 2023-06-13. Review status: criteria provided, single submitter. Criteria: Ambry Variant Classification Scheme 2023. Collection method: clinical testing. Allele origin: germline.
Comment: The p.S621Y variant (also known as c.1862C>A), located in coding exon 17 of the NF1 gene, results from a C to A substitution at nucleotide position 1862. The serine at codon 621 is replaced by tyrosine, an amino acid with dissimilar properties. This amino acid position is highly conserved in available vertebrate species. In addition, the in silico prediction for this alteration is inconclusive. Since supporting evidence is limited at this time, the clinical significance of this alteration remains unclear.